The following is an entry in ClinVar:

ClinVar aggregate classification (germline): Uncertain significance (1 of 4 stars; one submission).

Conditions:
Atrioventricular septal defect 4 (AVSD4). Identifiers: MedGen C3280781, MONDO:0013747, OMIM 614430.

gnomAD v4.1: 11 of 1,584,186 alleles (0.00069%); highest among the groups gnomAD compares: Non-Finnish European, 0.00094%; no homozygotes.

Submission:

Labcorp Genetics (formerly Invitae), Labcorp
Classification: Uncertain significance for Atrioventricular septal defect 4. Last evaluated: 2025-08-29. Review status: criteria provided, single submitter. Criteria: Invitae Variant Classification Sherloc (09022015). Collection method: clinical testing. Allele origin: germline.
Comment: This sequence change replaces methionine, which is neutral and non-polar, with leucine, which is neutral and non-polar, at codon 7 of the GATA4 protein (p.Met7Leu). This variant is not present in population databases (gnomAD no frequency). This variant has not been reported in the literature in individuals affected with GATA4-related conditions. Invitae Evidence Modeling of protein sequence and biophysical properties (such as structural, functional, and spatial information, amino acid conservation, physicochemical variation, residue mobility, and thermodynamic stability) indicates that this missense variant is not expected to disrupt GATA4 protein function with a negative predictive value of 95%. In summary, the available evidence is currently insufficient to determine the role of this variant in disease. Therefore, it has been classified as a Variant of Uncertain Significance.

NM_001308093.3(GATA4):c.19A>C (p.Met7Leu)

Gene: GATA4 (GATA binding protein 4). Cytogenetic location: 8p23.1.
Variant type: single nucleotide variant.
Coding change: c.19A>C on transcript NM_001308093.3 (MANE Select); coding-DNA position 19, A replaced by C.
Protein change: p.Met7Leu; replaces methionine 7 with leucine.
Molecular consequence: missense variant. On other transcripts: intron variant (3).
Genome position (GRCh38, 1-based): chr8:11,708,331, A>C. VCF-style: chr8-11708331-A-C. GRCh37 (hg19) VCF-style: chr8-11565840-A-C.
Other names: c.19A>C, p.Met7Leu (NM_002052.5); c.-6+7553A>C (NM_001308094.2); c.-3+317A>C (NM_001374274.1); c.-3+4027A>C (NM_001374273.1); short protein forms M7L.
Identifiers: ClinVar variation 4742157 (VCV004742157.1).